The following is an entry in ClinVar:

ClinVar aggregate classification (germline): Uncertain significance. Review status: criteria provided, multiple submitters, no conflicts (2 of 4 stars). 2 submissions from 2 submitters: Uncertain significance (2). Last evaluated 2026-07-30.

Conditions:
MC3R-related disorder. Also called: MC3R-related condition.

Allele frequency attached by ClinVar (database versions not stated): gnomAD exomes below 0.00001; gnomAD 0.00001; TOPMed 0.00002; ExAC 0.00005.

Submissions (2):

PreventionGenetics, part of Exact Sciences
Classification: Uncertain significance for MC3R-related condition. Last evaluated: 2026-07-30. Review status: criteria provided, single submitter. Criteria: ACMG Guidelines, 2015. Collection method: clinical testing. Allele origin: germline.
Comment: The MC3R c.79A>C variant is predicted to result in the amino acid substitution p.Ser27Arg. To our knowledge, this variant has not been reported in the literature. This variant is reported in 0.044% of alleles in individuals of East Asian descent in gnomAD. At this time, the clinical significance of this variant is uncertain due to the absence of conclusive functional and genetic evidence.

Ambry Genetics
Classification: Uncertain significance. Last evaluated: 2025-06-18. Review status: criteria provided, single submitter. Criteria: Ambry Variant Classification Scheme 2023. Collection method: clinical testing. Allele origin: germline.

NM_019888.3(MC3R):c.79A>C (p.Ser27Arg)

Gene: MC3R (melanocortin 3 receptor; plus strand). Cytogenetic location: 20q13.2.
Variant type: single nucleotide variant.
Coding change: c.79A>C on transcript NM_019888.3 (MANE Select); coding-DNA position 79, A replaced by C.
Protein change: p.Ser27Arg; replaces serine 27 with arginine.
Molecular consequence: missense variant.
Genome position (GRCh38, 1-based): chr20:56,248,922, A>C. VCF-style: chr20-56248922-A-C. GRCh37 (hg19) VCF-style: chr20-54823978-A-C.
Other names: short protein forms S27R.
Identifiers: ClinVar variation 2209943 (VCV002209943.4), dbSNP rs779906967, ClinGen allele CA9916922.